The following is an entry in ClinVar:

NM_001378454.1(ALMS1):c.3894A>G (p.Gln1298=)

Gene: ALMS1 (ALMS1 centrosome and basal body associated protein; plus strand). Cytogenetic location: 2p13.1.
Variant type: single nucleotide variant.
Coding change: c.3894A>G on transcript NM_001378454.1 (MANE Select); coding-DNA position 3894, A replaced by G.
Protein change: p.Gln1298=; no amino-acid change (glutamine 1298 retained).
Molecular consequence: synonymous variant.
Genome position (GRCh38, 1-based): chr2:73,450,421, A>G. VCF-style: chr2-73450421-A-G. GRCh37 (hg19) VCF-style: chr2-73677548-A-G.
Other names: c.3897A>G, p.Gln1299= (NM_015120.4).
Identifiers: ClinVar variation 383756 (VCV000383756.26), dbSNP rs112034360, ClinGen allele CA1713608.

ClinVar aggregate classification (germline): Benign. Review status: criteria provided, multiple submitters, no conflicts (2 of 4 stars). 10 submissions from 10 submitters: Benign (7). 3 of the submissions do not count toward it. Last evaluated 2026-02-04.

Conditions:
Alstrom syndrome (ALMS). Identifiers: Orphanet 64, MedGen C0268425, MONDO:0008763, OMIM 203800.
Cardiovascular phenotype. Identifiers: MedGen CN230736.

Allele frequency attached by ClinVar (database versions not stated): 1000 Genomes Project 0.04213; 1000 Genomes Project 30x 0.04435; gnomAD exomes 0.04527 and 0.05268; ExAC 0.04662; TOPMed 0.05331; gnomAD 0.05860 and 0.06109; ESP Exome Variant Server 0.05940.
gnomAD v4.1: 85,470 of 1,612,926 alleles (5.3%); highest among the groups gnomAD compares: African/African-American, 7.3%; 2,615 homozygotes.

Submissions (10):

Labcorp Genetics (formerly Invitae), Labcorp
Classification: Benign for Alstrom syndrome. Last evaluated: 2026-02-04. Review status: criteria provided, single submitter. Criteria: Invitae Variant Classification Sherloc (09022015). Collection method: clinical testing. Allele origin: germline.

Blueprint Genetics
Classification: Benign. Last evaluated: 2024-11-26. Review status: criteria provided, single submitter. Criteria: ACMG Guidelines, 2015. Collection method: clinical testing. Allele origin: germline.

Ambry Genetics
Classification: Benign for Cardiovascular phenotype. Last evaluated: 2018-12-21. Review status: criteria provided, single submitter. Criteria: Ambry Variant Classification Scheme 2023. Collection method: clinical testing. Allele origin: germline.

GeneDx
Classification: Benign. Last evaluated: 2016-09-27. Review status: criteria provided, single submitter. Criteria: GeneDx Variant Classification (06012015). Collection method: clinical testing. Allele origin: germline. Affected: yes.
Comment: This variant is considered likely benign or benign based on one or more of the following criteria: it is a conservative change, it occurs at a poorly conserved position in the protein, it is predicted to be benign by multiple in silico algorithms, and/or has population frequency not consistent with disease.

Laboratory for Molecular Medicine, Mass General Brigham Personalized Medicine
Classification: Benign. Last evaluated: 2016-03-21. Review status: criteria provided, single submitter. Criteria: LMM Criteria. Collection method: clinical testing. Allele origin: germline. Observed: 28 variant alleles.
Comment: p.Gln1297Gln in exon 8 of ALMS1: This variant is not expected to have clinical s ignificance because it does not alter an amino acid residue, is not located with in the splice consensus sequence, and has been identified in 7.82% (517/6614) of Finnish chromosomes by the Exome Aggregation Consortium (ExAC; dbSNP rs112034360).

Women's Health and Genetics/Laboratory Corporation of America, LabCorp
Classification: Benign. Last evaluated: 2013-11-21. Review status: criteria provided, single submitter. Criteria: LabCorp Variant Classification Summary - May 2015. Collection method: clinical testing. Allele origin: germline.

Breakthrough Genomics
Classification: Benign. Review status: criteria provided, single submitter. Criteria: ACMG Guidelines, 2015. Collection method: not provided. Allele origin: germline. Inheritance: Autosomal recessive inheritance. Affected: yes.

Natera, Inc.
Classification: Benign for Alstrom syndrome. Last evaluated: 2020-09-16. Review status: no assertion criteria provided. Collection method: clinical testing. Allele origin: germline. Not counted in ClinVar's aggregate classification.

Diagnostic Laboratory, Department of Genetics, University Medical Center Groningen
Classification: Benign. Review status: no assertion criteria provided. Collection method: clinical testing. Allele origin: germline. Affected: yes. Study: VKGL Data-share Consensus. Not counted in ClinVar's aggregate classification.

Joint Genome Diagnostic Labs from Nijmegen and Maastricht, Radboudumc and MUMC+
Classification: Benign. Review status: no assertion criteria provided. Collection method: clinical testing. Allele origin: germline. Affected: yes. Study: VKGL Data-share Consensus. Not counted in ClinVar's aggregate classification.